The following is an entry in ClinVar:

NM_001134407.3(GRIN2A):c.3821A>G (p.Asn1274Ser)

Gene: GRIN2A (glutamate ionotropic receptor NMDA type subunit 2A; minus strand). Cytogenetic location: 16p13.2.
Variant type: single nucleotide variant.
Coding change: c.3821A>G on transcript NM_001134407.3 (MANE Select); coding-DNA position 3821, A replaced by G.
Protein change: p.Asn1274Ser; replaces asparagine 1274 with serine.
Molecular consequence: missense variant. On other transcripts: intron variant (1).
Genome position (GRCh38, 1-based): chr16:9,763,723, T>C on the plus strand (A>G on the coding strand, the complement: GRIN2A is on the minus strand). VCF-style: chr16-9763723-T-C. GRCh37 (hg19) VCF-style: chr16-9857580-T-C.
Other names: c.3821A>G (NM_000833.4); c.3821A>G, p.Asn1274Ser (NM_000833.5); c.3772+49A>G (NM_001134408.2); short protein forms N1274S.
Identifiers: ClinVar variation 2758500 (VCV002758500.4), dbSNP rs1900707571, ClinGen allele CA394706775.

ClinVar aggregate classification (germline): Uncertain significance. Review status: criteria provided, single submitter (1 of 4 stars). 2 submissions from 2 submitters: Uncertain significance (1). 1 of the submissions does not count toward it. Last evaluated 2023-09-06.

Conditions:
Landau-Kleffner syndrome (FESD). Also called: APHASIA, ACQUIRED, WITH EPILEPSY; EPILEPSY, FOCAL, WITH SPEECH DISORDER AND WITH OR WITHOUT MENTAL RETARDATION. Identifiers: Orphanet 1945, Orphanet 725, Orphanet 98818, MedGen C0282512, MONDO:0009509, OMIM 245570.
GRIN2A-related complex neurodevelopmental disorder. Also called: GRIN2A-related disorder; GRIN2A-related condition. Identifiers: MedGen CN379781, MONDO:1060139.

Submissions (2):

Labcorp Genetics (formerly Invitae), Labcorp
Classification: Uncertain significance for Landau-Kleffner syndrome. Last evaluated: 2023-09-06. Review status: criteria provided, single submitter. Criteria: Invitae Variant Classification Sherloc (09022015). Collection method: clinical testing. Allele origin: germline.
Comment: In summary, the available evidence is currently insufficient to determine the role of this variant in disease. Therefore, it has been classified as a Variant of Uncertain Significance. Advanced modeling of protein sequence and biophysical properties (such as structural, functional, and spatial information, amino acid conservation, physicochemical variation, residue mobility, and thermodynamic stability) performed at Invitae indicates that this missense variant is not expected to disrupt GRIN2A protein function. This variant has not been reported in the literature in individuals affected with GRIN2A-related conditions. This variant is not present in population databases (gnomAD no frequency). This sequence change replaces asparagine, which is neutral and polar, with serine, which is neutral and polar, at codon 1274 of the GRIN2A protein (p.Asn1274Ser).

PreventionGenetics, part of Exact Sciences
Classification: Uncertain significance for GRIN2A-related condition. Last evaluated: 2024-09-16. Review status: no assertion criteria provided. Collection method: clinical testing. Allele origin: germline. Not counted in ClinVar's aggregate classification.
Comment: The GRIN2A c.3821A>G variant is predicted to result in the amino acid substitution p.Asn1274Ser. To our knowledge, this variant has not been reported in the literature or in a large population database, indicating this variant is rare. At this time, the clinical significance of this variant is uncertain due to the absence of conclusive functional and genetic evidence.